The following is an entry in ClinVar:

NM_000257.4(MYH7):c.334T>C (p.Trp112Arg)

Gene: MYH7 (myosin heavy chain 7; minus strand). Cytogenetic location: 14q11.2.
Variant type: single nucleotide variant.
Coding change: c.334T>C on transcript NM_000257.4 (MANE Select); coding-DNA position 334, T replaced by C.
Protein change: p.Trp112Arg; replaces tryptophan 112 with arginine.
Molecular consequence: missense variant.
Genome position (GRCh38, 1-based): chr14:23,433,095, A>G on the plus strand (T>C on the coding strand, the complement: MYH7 is on the minus strand). VCF-style: chr14-23433095-A-G. GRCh37 (hg19) VCF-style: chr14-23902304-A-G.
Other names: c.334T>C, p.Trp112Arg (NM_001407004.1); short protein forms W112R.
Identifiers: ClinVar variation 4801964 (VCV004801964.1).
Genomic context (GRCh38, chr14:23,433,095, plus strand): 5'-GATGGAGCAAGAACAGAGATCCCAACGTAGGGCCAGGTGCAGCACTCACGTAGATCATCC[A>G]GGAGCCGTAGCGATCCTTGAGGTTGTAGAGCACCGCGGGCTCATGCAGGAAGGTCAGCAT-3'
Protein context (NP_000248.2, residues 102-122): LYNLKDRYGS[Trp112Arg]MIYTYSGLFC

ClinVar aggregate classification (germline): Uncertain significance (1 of 4 stars; one submission).

Conditions:
Hypertrophic cardiomyopathy. Also called: HYPERTROPHIC MYOCARDIOPATHY. Identifiers: Orphanet 217569, MedGen C0007194, MeSH D002312, MONDO:0005045, HP:0001639.

Submission:

Labcorp Genetics (formerly Invitae), Labcorp
Classification: Uncertain significance for Hypertrophic cardiomyopathy. Last evaluated: 2025-12-23. Review status: criteria provided, single submitter. Criteria: Invitae Variant Classification Sherloc (09022015). Collection method: clinical testing. Allele origin: germline.
Comment: This sequence change replaces tryptophan, which is neutral and slightly polar, with arginine, which is basic and polar, at codon 112 of the MYH7 protein (p.Trp112Arg). This variant is not present in population databases (gnomAD no frequency). This variant has not been reported in the literature in individuals affected with MYH7-related conditions. Invitae Evidence Modeling of protein sequence and biophysical properties (such as structural, functional, and spatial information, amino acid conservation, physicochemical variation, residue mobility, and thermodynamic stability) indicates that this missense variant is expected to disrupt MYH7 protein function with a positive predictive value of 95%. In summary, the available evidence is currently insufficient to determine the role of this variant in disease. Therefore, it has been classified as a Variant of Uncertain Significance.